The following is an entry in ClinVar:

NM_004336.5(BUB1):c.2498T>G (p.Ile833Ser)

Gene: BUB1 (BUB1 mitotic checkpoint serine/threonine kinase; minus strand). Cytogenetic location: 2q13.
Variant type: single nucleotide variant.
Coding change: c.2498T>G on transcript NM_004336.5 (MANE Select); coding-DNA position 2498, T replaced by G.
Protein change: p.Ile833Ser; replaces isoleucine 833 with serine.
Molecular consequence: missense variant.
Genome position (GRCh38, 1-based): chr2:110,641,769, A>C on the plus strand (T>G on the coding strand, the complement: BUB1 is on the minus strand). VCF-style: chr2-110641769-A-C. GRCh37 (hg19) VCF-style: chr2-111399346-A-C.
Other names: c.2438T>G, p.Ile813Ser (NM_001278616.2); c.2498T>G, p.Ile833Ser (NM_001278617.2); short protein forms I833S, I813S.
Identifiers: ClinVar variation 1792156 (VCV001792156.2), dbSNP rs200481903, ClinGen allele CA1827764.

ClinVar aggregate classification (germline): Uncertain significance (1 of 4 stars; one submission).

Allele frequency attached by ClinVar (database versions not stated): ExAC 0.00001; gnomAD 0.00001; TOPMed 0.00001; 1000 Genomes Project 30x 0.00016; 1000 Genomes Project 0.00020.
gnomAD v4.1: 3 of 1,608,794 alleles (0.00019%); highest among the groups gnomAD compares: Admixed American, 0.005%; no homozygotes.

Submission:

Ambry Genetics
Classification: Uncertain significance. Last evaluated: 2023-11-18. Review status: criteria provided, single submitter. Criteria: Ambry Variant Classification Scheme 2023. Collection method: clinical testing. Allele origin: germline.
Comment: The p.I833S variant (also known as c.2498T>G), located in coding exon 21 of the BUB1 gene, results from a T to G substitution at nucleotide position 2498. The isoleucine at codon 833 is replaced by serine, an amino acid with dissimilar properties. This amino acid position is conserved. In addition, the in silico prediction for this alteration is inconclusive. Since supporting evidence is limited at this time, the clinical significance of this alteration remains unclear.